The following is an entry in ClinVar:

NM_001130823.3(DNMT1):c.4360G>A (p.Asp1454Asn)

Gene: DNMT1 (DNA methyltransferase 1; minus strand). Cytogenetic location: 19p13.2.
Variant type: single nucleotide variant.
Coding change: c.4360G>A on transcript NM_001130823.3 (MANE Select); coding-DNA position 4360, G replaced by A.
Protein change: p.Asp1454Asn; replaces aspartic acid 1454 with asparagine.
Molecular consequence: missense variant.
Genome position (GRCh38, 1-based): chr19:10,137,214, C>T on the plus strand (G>A on the coding strand, the complement: DNMT1 is on the minus strand). VCF-style: chr19-10137214-C-T. GRCh37 (hg19) VCF-style: chr19-10247890-C-T.
Other names: c.4312G>A, p.Asp1438Asn (NM_001318730.2, NM_001379.4); c.3997G>A, p.Asp1333Asn (NM_001318731.2); short protein forms D1333N, D1454N, D1438N.
Identifiers: ClinVar variation 2112813 (VCV002112813.4), dbSNP rs2513769783, ClinGen allele CA403969687.

ClinVar aggregate classification (germline): Uncertain significance (1 of 4 stars; one submission).

Conditions:
Hereditary sensory neuropathy-deafness-dementia syndrome. Also called: HSN IE; Hereditary sensory neuropathy type IE; NEUROPATHY, HEREDITARY SENSORY, WITH HEARING LOSS AND DEMENTIA; Hereditary Sensory and Autonomic Neuropathy Type 1E (HSAN1E). Identifiers: Orphanet 456318, MedGen C3279885, MONDO:0013584, OMIM 614116.

gnomAD v4.1: 11 of 1,610,860 alleles (0.00068%); highest among the groups gnomAD compares: Middle Eastern, 0.017%; no homozygotes.

Submission:

Labcorp Genetics (formerly Invitae), Labcorp
Classification: Uncertain significance for Hereditary sensory neuropathy-deafness-dementia syndrome. Last evaluated: 2022-03-15. Review status: criteria provided, single submitter. Criteria: Invitae Variant Classification Sherloc (09022015). Collection method: clinical testing. Allele origin: germline.
Comment: This variant is not present in population databases (gnomAD no frequency). In summary, the available evidence is currently insufficient to determine the role of this variant in disease. Therefore, it has been classified as a Variant of Uncertain Significance. Algorithms developed to predict the effect of missense changes on protein structure and function are either unavailable or do not agree on the potential impact of this missense change (SIFT: "Deleterious"; PolyPhen-2: "Probably Damaging"; Align-GVGD: "Class C0"). This variant has not been reported in the literature in individuals affected with DNMT1-related conditions. This sequence change replaces aspartic acid, which is acidic and polar, with asparagine, which is neutral and polar, at codon 1454 of the DNMT1 protein (p.Asp1454Asn).